The following is an entry in ClinVar:

ClinVar aggregate classification (germline): Uncertain significance. Review status: criteria provided, multiple submitters, no conflicts (2 of 4 stars). 4 submissions from 4 submitters: Uncertain significance (4). Last evaluated 2025-07-20.

Conditions:
Polyposis syndrome, hereditary mixed, 2. Identifiers: Orphanet 157794, MedGen C1864730, MONDO:0012405, OMIM 610069.
Juvenile polyposis syndrome (JPS). Identifiers: Orphanet 2929, MedGen C0345893, MONDO:0017380, OMIM 174900.
Hereditary cancer-predisposing syndrome. Also called: Neoplastic Syndromes, Hereditary; Hereditary Cancer Syndrome; Hereditary neoplastic syndrome; Tumor predisposition. Identifiers: Orphanet 140162, MedGen C0027672, MeSH D009386, MONDO:0015356.

Allele frequency attached by ClinVar (database versions not stated): gnomAD exomes below 0.00001.
gnomAD v4.1: 4 of 1,613,962 alleles (0.00025%); highest among the groups gnomAD compares: African/African-American, 0.0013%; no homozygotes.

Submissions (4):

Labcorp Genetics (formerly Invitae), Labcorp
Classification: Uncertain significance for Juvenile polyposis syndrome. Last evaluated: 2025-07-20. Review status: criteria provided, single submitter. Criteria: Invitae Variant Classification Sherloc (09022015). Collection method: clinical testing. Allele origin: germline.
Comment: This sequence change replaces threonine, which is neutral and polar, with alanine, which is neutral and non-polar, at codon 328 of the BMPR1A protein (p.Thr328Ala). This variant is not present in population databases (gnomAD no frequency). This variant has not been reported in the literature in individuals affected with BMPR1A-related conditions. ClinVar contains an entry for this variant (Variation ID: 2154231). Invitae Evidence Modeling of protein sequence and biophysical properties (such as structural, functional, and spatial information, amino acid conservation, physicochemical variation, residue mobility, and thermodynamic stability) indicates that this missense variant is not expected to disrupt BMPR1A protein function with a negative predictive value of 80%. In summary, the available evidence is currently insufficient to determine the role of this variant in disease. Therefore, it has been classified as a Variant of Uncertain Significance.

Ambry Genetics
Classification: Uncertain significance for Hereditary cancer-predisposing syndrome. Last evaluated: 2025-02-11. Review status: criteria provided, single submitter. Criteria: Ambry Variant Classification Scheme 2023. Collection method: clinical testing. Allele origin: germline.
Comment: The p.T328A variant (also known as c.982A>G), located in coding exon 8 of the BMPR1A gene, results from an A to G substitution at nucleotide position 982. The threonine at codon 328 is replaced by alanine, an amino acid with similar properties. This amino acid position is not well conserved in available vertebrate species. In addition, the in silico prediction for this alteration is inconclusive. Based on the available evidence, the clinical significance of this variant remains unclear.

Color Diagnostics, LLC DBA Color Health
Classification: Uncertain significance for Hereditary cancer-predisposing syndrome. Last evaluated: 2024-09-03. Review status: criteria provided, single submitter. Criteria: ACMG Guidelines, 2015. Collection method: clinical testing. Allele origin: germline.
Comment: This missense variant replaces threonine with alanine at codon 328 of the BMPR1A protein. Computational prediction suggests that this variant may not impact protein structure and function (internally defined REVEL score threshold <= 0.5, PMID: 27666373). To our knowledge, functional studies have not been reported for this variant. This variant has not been reported in individuals affected with BMPR1A-related disorders in the literature. This variant has not been identified in the general population by the Genome Aggregation Database (gnomAD). The available evidence is insufficient to determine the role of this variant in disease conclusively. Therefore, this variant is classified as a Variant of Uncertain Significance.

Baylor Genetics
Classification: Uncertain significance for Polyposis syndrome, hereditary mixed, 2. Last evaluated: 2023-10-08. Review status: criteria provided, single submitter. Criteria: ACMG Guidelines, 2015. Collection method: clinical testing. Allele origin: unknown.

NM_004329.3(BMPR1A):c.982A>G (p.Thr328Ala)

Gene: BMPR1A (bone morphogenetic protein receptor type 1A; plus strand). Cytogenetic location: 10q23.2.
Variant type: single nucleotide variant.
Coding change: c.982A>G on transcript NM_004329.3 (MANE Select); coding-DNA position 982, A replaced by G.
Protein change: p.Thr328Ala; replaces threonine 328 with alanine.
Molecular consequence: missense variant.
Genome position (GRCh38, 1-based): chr10:86,919,285, A>G. VCF-style: chr10-86919285-A-G. GRCh37 (hg19) VCF-style: chr10-88679042-A-G.
Other names: c.1057A>G, p.Thr353Ala (NM_001406559.1); c.1030A>G, p.Thr344Ala (NM_001406560.1); c.982A>G, p.Thr328Ala (NM_001406561.1, NM_001406562.1, NM_001406563.1 and 19 more transcripts); c.976A>G, p.Thr326Ala (NM_001406583.1); c.898A>G, p.Thr300Ala (NM_001406584.1, NM_001406585.1, NM_001406586.1 and 2 more transcripts); c.640A>G, p.Thr214Ala (NM_001406589.1); short protein forms T344A, T353A, T214A, T328A, T300A, T326A.
Identifiers: ClinVar variation 2154231 (VCV002154231.7), dbSNP rs2133591098, ClinGen allele CA377460395.